The following is an entry in ClinVar:

NM_015100.4(POGZ):c.154C>G (p.Pro52Ala)

Gene: POGZ (pogo transposable element derived with ZNF domain; minus strand). Cytogenetic location: 1q21.3.
Variant type: single nucleotide variant.
Coding change: c.154C>G on transcript NM_015100.4 (MANE Select); coding-DNA position 154, C replaced by G.
Protein change: p.Pro52Ala; replaces proline 52 with alanine.
Molecular consequence: missense variant. On other transcripts: intron variant (2).
Genome position (GRCh38, 1-based): chr1:151,441,057, G>C on the plus strand (C>G on the coding strand, the complement: POGZ is on the minus strand). VCF-style: chr1-151441057-G-C. GRCh37 (hg19) VCF-style: chr1-151413533-G-C.
Other names: c.154C>G, p.Pro52Ala (NM_001194937.2, NM_145796.4); c.124+1024C>G (NM_001194938.2, NM_207171.2); short protein forms P52A.
Identifiers: ClinVar variation 1302419 (VCV001302419.2), dbSNP rs199870784, ClinGen allele CA341985868.

ClinVar aggregate classification (germline): Uncertain significance (1 of 4 stars; one submission).

Submission:

GeneDx
Classification: Uncertain significance. Last evaluated: 2021-09-07. Review status: criteria provided, single submitter. Criteria: GeneDx Variant Classification Process June 2021. Collection method: clinical testing. Allele origin: germline. Affected: yes.
Comment: Has not been previously published as pathogenic or benign to our knowledge; Not observed at significant frequency in large population cohorts (Lek et al., 2016); In silico analysis supports that this missense variant has a deleterious effect on protein structure/function